The following is an entry in ClinVar:

ClinVar aggregate classification (germline): Likely pathogenic (1 of 4 stars; one submission).

Submission:

Labcorp Genetics (formerly Invitae), Labcorp
Classification: Likely pathogenic. Last evaluated: 2019-04-09. Review status: criteria provided, single submitter. Criteria: Invitae Variant Classification Sherloc (09022015). Collection method: clinical testing. Allele origin: germline.
Comment: This variant has not been reported in the literature in individuals with SLC34A3-related conditions. This variant is a deletion of the genomic region encompassing part of exon 6 (c.449-18_456del) of the SLC34A3 gene. It is expected to disrupt RNA splicing and likely results in an absent or disrupted protein product. Loss-of-function variants in SLC34A3 are known to be pathogenic (PMID: 16358214, 16358215, 22159077). In summary, the currently available evidence indicates that the variant is pathogenic, but additional data are needed to prove that conclusively. Therefore, this variant has been classified as Likely Pathogenic.

Literature cited by the submitters: PubMed 16358214; PubMed 16358215; PubMed 22159077.

NM_001177316.2(SLC34A3):c.449-18_456del

Gene: SLC34A3 (solute carrier family 34 member 3; plus strand). Cytogenetic location: 9q34.3.
Variant type: Deletion.
Coding change: c.449-18_456del on transcript NM_001177316.2 (MANE Select); 18 bases into the intron before coding-DNA position 449 through coding-DNA position 456, 26 bases deleted (CAGCCCCCCCACCAGCAGTGCTGACT).
Molecular consequence: splice acceptor variant.
Genome position (GRCh38, 1-based): chr9:137,232,986-137,233,011, CAGCCCCCCCACCAGCAGTGCTGACT deleted; deleting any 26 consecutive bases within chr9:137,232,979-137,233,011 gives the same sequence; the c. name uses the placement nearest the transcript's 3' end. VCF-style (leftmost placement, unchanged base first): chr9-137232978-GGCTGACTCAGCCCCCCCACCAGCAGT-G. GRCh37 (hg19) VCF-style: chr9-140127430-GGCTGACTCAGCCCCCCCACCAGCAGT-G.
Other names: c.449-18_456del (NM_001177317.2, NM_080877.3).
Identifiers: ClinVar variation 858428 (VCV000858428.8), dbSNP rs1836329410, ClinGen allele CA916083096.